The following is an entry in ClinVar:

ClinVar aggregate classification (germline): Pathogenic (1 of 4 stars; one submission).

Conditions:
Hereditary cancer-predisposing syndrome. Also called: Neoplastic Syndromes, Hereditary; Tumor predisposition; Hereditary Cancer Syndrome; Hereditary neoplastic syndrome. Identifiers: Orphanet 140162, MedGen C0027672, MeSH D009386, MONDO:0015356.

Submission:

Ambry Genetics
Classification: Pathogenic for Hereditary cancer-predisposing syndrome. Last evaluated: 2019-03-28. Review status: criteria provided, single submitter. Criteria: Ambry Variant Classification Scheme 2023. Collection method: clinical testing. Allele origin: germline.
Comment: The c.3709_3710insC pathogenic mutation, located in coding exon 8 of the MSH6 gene, results from an insertion of one nucleotide at position 3709, causing a translational frameshift with a predicted alternate stop codon (p.E1237Afs*38). This alteration is expected to result in loss of function by premature protein truncation or nonsense-mediated mRNA decay. As such, this alteration is interpreted as a disease-causing mutation.

NM_000179.3(MSH6):c.3709_3710insC (p.Glu1237fs)

Gene: MSH6 (mutS homolog 6; plus strand). Cytogenetic location: 2p16.3.
Variant type: Insertion.
Coding change: c.3709_3710insC on transcript NM_000179.3 (MANE Select); coding-DNA positions 3709 to 3710, C inserted.
Protein change: p.Glu1237fs; shifts the reading frame from glutamic acid 1237.
Molecular consequence: frameshift variant.
Genome position: GRCh38 VCF-style: chr2-47806266-G-GC. GRCh37 (hg19) VCF-style: chr2-48033405-G-GC.
Other names: c.3319_3320insC, p.Glu1107fs (NM_001281492.2); c.2803_2804insC, p.Glu935fs (NM_001281493.2, NM_001281494.2); c.3805_3806insC, p.Glu1269Alafs (NM_001406795.1, NM_001406802.1); c.3709_3710insC, p.Glu1237Alafs (NM_001406796.1, NM_001406800.1, NM_001406808.1 and 1 more transcripts); c.3412_3413insC, p.Glu1138Alafs (NM_001406797.1, NM_001406801.1, NM_001406805.1 and 10 more transcripts); c.3535_3536insC, p.Glu1179Alafs (NM_001406798.1); c.3184_3185insC, p.Glu1062Alafs (NM_001406799.1, NM_001406806.1, NM_001406807.1); c.2845_2846insC, p.Glu949Alafs (NM_001406803.1); and 8 more; short protein forms E1237fs, E1107fs, E935fs.
Identifiers: ClinVar variation 1734165 (VCV001734165.2), dbSNP rs2530841792, ClinGen allele CA2580067293.